The following is an entry in ClinVar:

ClinVar aggregate classification (germline): Uncertain significance. Review status: criteria provided, multiple submitters, no conflicts (2 of 4 stars). 2 submissions from 2 submitters: Uncertain significance (2). Last evaluated 2024-10-02.

Conditions:
Charcot-Marie-Tooth disease type 4. Also called: Charcot-Marie-Tooth disease, type IV; Charcot-Marie-Tooth, Type 4. Identifiers: Orphanet 64749, MedGen C4082197, MONDO:0018995.

Allele frequency attached by ClinVar (database versions not stated): ExAC 0.00001; gnomAD 0.00001; gnomAD exomes 0.00001; TOPMed 0.00002; ESP Exome Variant Server 0.00008.
gnomAD v4.1: 11 of 1,613,584 alleles (0.00068%); highest among the groups gnomAD compares: Non-Finnish European, 0.00093%; no homozygotes.

Submissions (2):

GeneDx
Classification: Uncertain significance. Last evaluated: 2024-10-02. Review status: criteria provided, single submitter. Criteria: GeneDx Variant Classification Process June 2021. Collection method: clinical testing. Allele origin: germline. Affected: yes.
Comment: Not observed at significant frequency in large population cohorts (gnomAD); In silico analysis supports a deleterious effect on splicing; Has not been previously published as pathogenic or benign to our knowledge

Labcorp Genetics (formerly Invitae), Labcorp
Classification: Uncertain significance for Charcot-Marie-Tooth disease type 4. Last evaluated: 2020-03-08. Review status: criteria provided, single submitter. Criteria: Invitae Variant Classification Sherloc (09022015). Collection method: clinical testing. Allele origin: germline.
Comment: This sequence change affects codon 60 of the FIG4 mRNA. It is a 'silent' change, meaning that it does not change the encoded amino acid sequence of the FIG4 protein. This variant is present in population databases (rs376730932, ExAC 0.002%). This variant has not been reported in the literature in individuals with FIG4-related conditions. Algorithms developed to predict the effect of sequence changes on RNA splicing suggest that this variant may create or strengthen a splice site, but this prediction has not been confirmed by published transcriptional studies. In summary, the available evidence is currently insufficient to determine the role of this variant in disease. Therefore, it has been classified as a Variant of Uncertain Significance.

NM_014845.6(FIG4):c.180A>G (p.Gln60=)

Gene: FIG4 (FIG4 phosphoinositide 5-phosphatase; plus strand). Cytogenetic location: 6q21.
Variant type: single nucleotide variant.
Coding change: c.180A>G on transcript NM_014845.6 (MANE Select); coding-DNA position 180, A replaced by G.
Protein change: p.Gln60=; no amino-acid change (glutamine 60 retained).
Molecular consequence: synonymous variant.
Genome position (GRCh38, 1-based): chr6:109,716,459, A>G. VCF-style: chr6-109716459-A-G. GRCh37 (hg19) VCF-style: chr6-110037662-A-G.
Other names: c.180A>G (NM_014845.5).
Identifiers: ClinVar variation 1052144 (VCV001052144.10), dbSNP rs376730932, ClinGen allele CA3955707.
Genomic context (GRCh38, chr6:109,716,459, plus strand): 5'-CTAAAGTTTAAGCACAACCTTACAGAGTAAATGTGCTTATTCTTAGCATGTCTATACTCA[A>G]CAAGAAGTAAGGGAACTTCTTGGCCGCTTGGATCTTGGAAATAGAACAAAGATGGGACAG-3'
Protein context (NP_055660.1, residues 50-70): VIIDDRHVYT[Gln60=]QEVRELLGRL